The following is an entry in ClinVar:

ClinVar aggregate classification (germline): Uncertain significance (1 of 4 stars; one submission).

Submission:

Ambry Genetics
Classification: Uncertain significance. Last evaluated: 2024-12-20. Review status: criteria provided, single submitter. Criteria: Ambry Variant Classification Scheme 2023. Collection method: clinical testing. Allele origin: germline.
Comment: The p.K467E variant (also known as c.1399A>G), located in coding exon 12 of the GEN1 gene, results from an A to G substitution at nucleotide position 1399. The lysine at codon 467 is replaced by glutamic acid, an amino acid with similar properties. This amino acid position is conserved. In addition, this alteration is predicted to be tolerated by in silico analysis. Based on the available evidence, the clinical significance of this variant remains unclear.

NM_001130009.3(GEN1):c.1399A>G (p.Lys467Glu)

Gene: GEN1 (GEN1 Holliday junction 5' flap endonuclease; plus strand). Cytogenetic location: 2p24.2.
Variant type: single nucleotide variant.
Coding change: c.1399A>G on transcript NM_001130009.3 (MANE Select); coding-DNA position 1399, A replaced by G.
Protein change: p.Lys467Glu; replaces lysine 467 with glutamic acid.
Molecular consequence: missense variant.
Genome position (GRCh38, 1-based): chr2:17,780,112, A>G. VCF-style: chr2-17780112-A-G. GRCh37 (hg19) VCF-style: chr2-17961379-A-G.
Other names: c.1399A>G, p.Lys467Glu (NM_182625.5); short protein forms K467E.
Identifiers: ClinVar variation 3853445 (VCV003853445.1).
Genomic context (GRCh38, chr2:17,780,112, plus strand): 5'-GCAGCATATCCTGAGATCGTTGCTGTTTACCAAAAACAAAAGTTAGAAATTAAAGGGAAG[A>G]AACAAAAACGTAAGTTTTGGGTTTGATAGCTATTTATGCCACATGCAAATGTTATAGAAG-3'
Protein context (NP_001123481.3, residues 457-477): QKQKLEIKGK[Lys467Glu]QKRIKPKENN